The following is an entry in ClinVar:

NM_000277.3(PAH):c.940C>A (p.Pro314Thr)

Gene: PAH (phenylalanine hydroxylase; minus strand). Cytogenetic location: 12q23.2.
Variant type: single nucleotide variant.
Coding change: c.940C>A on transcript NM_000277.3 (MANE Select); coding-DNA position 940, C replaced by A.
Protein change: p.Pro314Thr; replaces proline 314 with threonine.
Molecular consequence: missense variant.
Genome position (GRCh38, 1-based): chr12:102,846,924, G>T on the plus strand (C>A on the coding strand, the complement: PAH is on the minus strand). VCF-style: chr12-102846924-G-T. GRCh37 (hg19) VCF-style: chr12-103240702-G-T.
Other names: NM_000277.1(PAH):c.940C>A; p.Pro314Thr; c.940C>A, p.Pro314Thr (NM_001354304.2); c.940C>A (NM_000277.2); short protein forms P314T.
Identifiers: ClinVar variation 102904 (VCV000102904.19), dbSNP rs199475650, ClinGen allele CA229863.

ClinVar aggregate classification (germline): Pathogenic. Review status: reviewed by expert panel (3 of 4 stars). 8 submissions from 8 submitters: Pathogenic (1). 7 of the submissions do not count toward it. Last evaluated 2023-12-30.

Conditions:
PAH-related disorder. Also called: PAH-related condition.
Phenylketonuria (PKU). Also called: Phenylketonuria (PKU); FOLLING DISEASE; OLIGOPHRENIA PHENYLPYRUVICA; Phenylketonurias. Identifiers: Orphanet 716, MedGen C0031485, MONDO:0009861, OMIM 261600. Disease mechanism: loss of function.

Allele frequency attached by ClinVar (database versions not stated): gnomAD exomes 0.00001 and below 0.00001.
gnomAD v4.1: 6 of 1,613,708 alleles (0.00037%); highest among the groups gnomAD compares: East Asian, 0.013%; no homozygotes.

Submissions (8):

ClinGen PAH Variant Curation Expert Panel
Classification: Pathogenic for Phenylketonuria. Last evaluated: 2023-12-30. Review status: reviewed by expert panel. Criteria: ClinGen PAH ACMG Specifications v1. Collection method: curation. Allele origin: germline. Inheritance: Autosomal recessive inheritance.
Comment: The NM_000277.1(PAH):c.940C>A (p.Pro314Thr) variant is a missense variant in exon 9/13 of PAH. It has been found to result in 25% of wild-type PAH enzyme activity in a standard cDNA system and 19% of wild-type PAH enzyme activity in an Intinc system (PMID: 18590700) (PS3_supporting). It has been reported in at least five PKU patients, including those with BH4 deficiency excluded and in trans with Pathogenic variants (PM3_VeryStrong (4.25 points); PP4_Moderate). BH4 deficiency was excluded in both cases (PMID: 30459323). Another missense variant at the same site, c.941C>A (p.P314H) is classified as Pathogenic/Likely Pathogenic in ClinVar (ID 102907) (PM5). Two heterozygotes and zero homozygotes for the variant are present in gnomAD, corresponding to a global frequency of 0.00000796 and a maximum population frequency of 0.000109 (South Asian), under the 0.0002 frequency cutoff for use of PM2 (PM2_supporting). The variant is predicted damaging by multiple in-silico predictors, including REVEL (REVEL score 0.867), but tolerated by SIFT; thus, PP3 is not met. Classification: Pathogenic Supporting Criteria: PS3_supporting; PM3_VeryStrong; PM2_supporting; PP4_Moderate

Natera, Inc.
Classification: Pathogenic for Phenylketonuria. Last evaluated: 2025-08-09. Review status: criteria provided, single submitter. Criteria: Natera Variant Classification Schema (03/2026). Collection method: clinical testing. Allele origin: germline. Not counted in ClinVar's aggregate classification.
Comment: The c.940C>A variant in PAH is a missense variant predicted to cause substitution of proline to threonine at amino acid 314. This variant is rare in the general population with a frequency below the threshold expected for the associated phenotype(s). This variant has been observed in one or more individuals affected with the associated recessive disease, as either homozygous or compound heterozygous with a second variant (PMID: 30459323). Computational prediction algorithms indicate this variant is likely to affect gene or protein function. Given the available evidence, this variant is classified as Pathogenic.

PreventionGenetics, part of Exact Sciences
Classification: Pathogenic for PAH-related condition. Last evaluated: 2025-08-01. Review status: criteria provided, single submitter. Criteria: ACMG Guidelines, 2015. Collection method: clinical testing. Allele origin: germline. Not counted in ClinVar's aggregate classification.
Comment: The PAH c.940C>A variant is predicted to result in the amino acid substitution p.Pro314Thr. This variant was reported in multiple individuals with phenylalanine hydroxylase deficiency often in trans with another pathogenic variant (Chien et al. 2004. PubMed ID: 14722928; Adhikari et al. 2020. PubMed ID: 32778825; described as a mild hyperphenylalaninemia variant in Table S2, Hillert et al. 2020. PubMed ID: 32668217; Zeng et al. 2023. PubMed ID: 36845377). An in vitro study of this variant showed a significant reduction in enzymatic activity (summarized in Liang et al. 2014. PubMed ID: 24401910); however, in another study, there was no significant difference in activity (Ho et al. 2008. PubMed ID: 18590700). This variant is reported in 0.011% of alleles in individuals of East Asian descent in gnomAD, and has been consistently classified as pathogenic in ClinVar, which includes the pathogenic classification from the ClinGen PAH Variant Curation Expert Panel. This variant is interpreted as pathogenic.

Labcorp Genetics (formerly Invitae), Labcorp
Classification: Pathogenic for Phenylketonuria. Last evaluated: 2023-08-07. Review status: criteria provided, single submitter. Criteria: Invitae Variant Classification Sherloc (09022015). Collection method: clinical testing. Allele origin: germline. Not counted in ClinVar's aggregate classification.
Comment: For these reasons, this variant has been classified as Pathogenic. This sequence change replaces proline, which is neutral and non-polar, with threonine, which is neutral and polar, at codon 314 of the PAH protein (p.Pro314Thr). This variant is present in population databases (rs199475650, gnomAD 0.01%). This missense change has been observed in individual(s) with hyperphenylalaninemia (PMID: 24401910, 28982351, 29390883). ClinVar contains an entry for this variant (Variation ID: 102904). Advanced modeling of protein sequence and biophysical properties (such as structural, functional, and spatial information, amino acid conservation, physicochemical variation, residue mobility, and thermodynamic stability) performed at Invitae indicates that this missense variant is not expected to disrupt PAH protein function. Experimental studies have shown that this missense change does not substantially affect PAH function (PMID: 18590700). This variant disrupts the p.Pro314 amino acid residue in PAH. Other variant(s) that disrupt this residue have been observed in individuals with PAH-related conditions (PMID: 8807319, 12501224), which suggests that this may be a clinically significant amino acid residue.

Women's Health and Genetics/Laboratory Corporation of America, LabCorp
Classification: Pathogenic for Phenylketonuria. Last evaluated: 2023-07-17. Review status: criteria provided, single submitter. Criteria: LabCorp Variant Classification Summary - May 2015. Collection method: clinical testing. Allele origin: germline. Not counted in ClinVar's aggregate classification.
Comment: Variant summary: PAH c.940C>A (p.Pro314Thr) results in a non-conservative amino acid change located in the Eukaryotic phenylalanine-4-hydroxylase, catalytic domain (IPR041912) of the encoded protein sequence. Four of five in-silico tools predict a damaging effect of the variant on protein function. The variant allele was found at a frequency of 8e-06 in 251290 control chromosomes. c.940C>A has been reported in the literature in the compound heterozygous state in multiple individuals affected with mild hyperphenylalaninemia (MHP) or Phenylalanine Hydroxylase Deficiency (Phenylketonuria) (e.g. Chien_2004, Li_2018, Chen_2018, Wang_2018). These data indicate that the variant is very likely to be associated with disease. At least one publication reports experimental evidence evaluating an impact on protein function, suggesting reduced enzyme activity of 19-25% compared to wild-type; however, the difference is described as not significant, which does not allow convincing conclusions about the variant effect (Ho_2008). A different variant at the same amino acid position (p.P314H) has also been previously classified by our laboratory as pathogenic. The following publications have been ascertained in the context of this evaluation (PMID: 30459323, 14722928, 18590700, 30050108, 29499199). Two submitters have cited clinical-significance assessments for this variant to ClinVar after 2014. All submitters classified the variant as pathogenic/likely pathogenic. Based on the evidence outlined above, the variant was classified as pathogenic.

Juno Genomics, Hangzhou Juno Genomics, Inc
Classification: Pathogenic for Phenylketonuria. Review status: criteria provided, single submitter. Criteria: ACMG Guidelines, 2015. Collection method: clinical testing. Allele origin: germline. Affected: yes. Not counted in ClinVar's aggregate classification.
Comment: Absent from controls (or at extremely low frequency if recessive) in Genome Aggregation Database, Exome Sequencing Project, 1000 Genomes Project, or Exome Aggregation Consortium.;For recessive disorders, detected in trans with a pathogenic variant.;Patient's phenotype or family history is highly specific for a disease with a single genetic etiology.;Well-established in vitro or in vivo functional studies supportive of a damaging effect on the gene or gene product.;Novel missense change at an amino acid residue where a different missense change determined to be pathogenic has been seen before.

Counsyl
Classification: Likely pathogenic for Phenylketonuria. Last evaluated: 2018-02-08. Review status: no assertion criteria provided. Collection method: clinical testing. Allele origin: unknown. Not counted in ClinVar's aggregate classification.

DeBelle Laboratory for Biochemical Genetics, MUHC/MCH RESEARCH INSTITUTE
No classification provided. Review status: no classification provided. Collection method: not provided. Allele origin: not provided. Not counted in ClinVar's aggregate classification.

Literature cited by the submitters: PubMed 24401910 (cited by 3 submitters); PubMed 14722928 (cited by 3 submitters); PubMed 30459323 (cited by Natera, Inc. and Women's Health and Genetics/Laboratory Corporation of America, LabCorp); PubMed 28982351 (cited by Labcorp Genetics (formerly Invitae), Labcorp and Counsyl); PubMed 29390883 (cited by Labcorp Genetics (formerly Invitae), Labcorp); PubMed 18590700 (cited by 3 submitters); PubMed 8807319 (cited by Labcorp Genetics (formerly Invitae), Labcorp); PubMed 12501224 (cited by Labcorp Genetics (formerly Invitae), Labcorp); PubMed 29499199 (cited by Women's Health and Genetics/Laboratory Corporation of America, LabCorp); PubMed 30050108 (cited by Women's Health and Genetics/Laboratory Corporation of America, LabCorp); PubMed 17924342 (cited by Counsyl); PubMed 26503515 (cited by Counsyl).